The following is an entry in ClinVar:

ClinVar aggregate classification (germline): Conflicting classifications of pathogenicity. Review status: criteria provided, conflicting classifications (1 of 4 stars). 4 submissions from 4 submitters: Pathogenic (2); Uncertain significance (1). 1 of the submissions does not count toward it. Last evaluated 2025-09-08.

Conditions:
Hereditary cancer-predisposing syndrome. Also called: Neoplastic Syndromes, Hereditary; Hereditary Cancer Syndrome; Tumor predisposition; Hereditary neoplastic syndrome. Identifiers: Orphanet 140162, MedGen C0027672, MeSH D009386, MONDO:0015356.
Intrauterine growth retardation, metaphyseal dysplasia, adrenal hypoplasia congenita, genital anomalies, and immunodeficiency. Also called: IMAGEI SYNDROME. Identifiers: MedGen C5193036, MONDO:0032684, OMIM 618336.

Allele frequency attached by ClinVar (database versions not stated): gnomAD exomes 0.00001.
gnomAD v4.1: 15 of 1,604,698 alleles (0.00093%); highest among the groups gnomAD compares: Non-Finnish European, 0.0013%; no homozygotes.

Submissions (4):

Labcorp Genetics (formerly Invitae), Labcorp
Classification: Pathogenic. Last evaluated: 2025-09-08. Review status: criteria provided, single submitter. Criteria: Invitae Variant Classification Sherloc (09022015). Collection method: clinical testing. Allele origin: germline.
Comment: This sequence change creates a premature translational stop signal (p.Tyr683*) in the POLE gene. It is expected to result in an absent or disrupted protein product. Loss-of-function variants in POLE are known to be pathogenic (PMID: 23230001, 25948378, 30503519). This variant is present in population databases (no rsID available, gnomAD 0.003%). This premature translational stop signal has been observed in individual(s) with clinical features of autosomal recessive IMAGe syndrome (PMID: 30503519). ClinVar contains an entry for this variant (Variation ID: 581857). For these reasons, this variant has been classified as Pathogenic.

Ambry Genetics
Classification: Uncertain significance for Hereditary cancer-predisposing syndrome. Last evaluated: 2025-03-20. Review status: criteria provided, single submitter. Criteria: Ambry Variant Classification Scheme 2023. Collection method: clinical testing. Allele origin: germline.
Comment: The p.Y683* variant (also known as c.2049C>G), located in coding exon 19 of the POLE gene, results from a C to G substitution at nucleotide position 2049. This changes the amino acid from a tyrosine to a stop codon within coding exon 19. This alteration is expected to result in loss of function by premature protein truncation or nonsense-mediated mRNA decay. This variant has been identified in trans with another POLE variant in an individual with features consistent with IMAGe syndrome (Logan CV et al. Am J Hum Genet, 2018 Dec;103:1038-1044). Although biallelic loss of function of POLE has been associated with autosomal recessive POLE deficiency, haploinsufficiency of POLE has not been established as a mechanism of disease for POLE-related polymerase proofreading-associated polyposis (PPAP) and POLE-related CMMRD-like syndrome. Based on the supporting evidence, this variant is expected to be causative of POLE deficiency when present along with a second pathogenic variant on the other allele; however, its clinical significance for PPAP and POLE-related CMMRD-like syndrome is unclear.

Victorian Clinical Genetics Services, Murdoch Childrens Research Institute
Classification: Pathogenic for Intrauterine growth retardation, metaphyseal dysplasia, adrenal hypoplasia congenita, genital anomalies, and immunodeficiency. Last evaluated: 2024-10-09. Review status: criteria provided, single submitter. Criteria: ACMG Guidelines, 2015. Collection method: clinical testing. Allele origin: germline. Inheritance: Autosomal recessive inheritance. Affected: yes.
Comment: Based on the classification scheme VCGS_Germline_v1.3.4, this variant is classified as Pathogenic. Following criteria are met: 0102 - Loss of function is a known mechanism of disease in this gene and is associated with IMAGE-I syndrome (MIM#618336) and FILS syndrome (MIM#615139). (I) 0106 - This gene is associated with autosomal recessive disease. (I) 0201 - Variant is predicted to cause nonsense-mediated decay (NMD) and loss of protein (premature termination codon is located at least 54 nucleotides upstream of the final exon-exon junction). (SP) 0251 - This variant is heterozygous. (I) 0304 - Variant is present in gnomAD (v2) <0.01 for a recessive condition (3 heterozygotes, 0 homozygotes). (SP) 0701 - Other NMD predicted variants comparable to the one identified in this case have very strong previous evidence for pathogenicity (DECIPHER). (SP) 0803 - This variant has limited previous evidence of pathogenicity in one individual. This variant has been classified as pathogenic by a clinical laboratory in ClinVar. (SP) 0905 - No published segregation evidence has been identified for this variant. (I) 1007 - No published functional evidence has been identified for this variant. (I) 1101 - Very strong and specific phenotype match for this individual. (SP) 1201 - Heterozygous variant detected in trans with a second pathogenic heterozygous variant (c.1686+32C>G) in a recessive disease. (I) Legend: (SP) - Supporting pathogenic, (I) - Information, (SB) - Supporting benign

OMIM
Classification: Pathogenic for INTRAUTERINE GROWTH RETARDATION, METAPHYSEAL DYSPLASIA, ADRENAL HYPOPLASIA CONGENITA, GENITAL ANOMALIES, AND IMMUNODEFICIENCY. Last evaluated: 2019-02-26. Review status: no assertion criteria provided. Collection method: literature only. Allele origin: germline. Not counted in ClinVar's aggregate classification.

Literature cited by the submitters: PubMed 23230001 (cited by Labcorp Genetics (formerly Invitae), Labcorp); PubMed 25948378 (cited by Labcorp Genetics (formerly Invitae), Labcorp); PubMed 30503519 (cited by 3 submitters).

NM_006231.4(POLE):c.2049C>G (p.Tyr683Ter)

Gene: POLE (DNA polymerase epsilon, catalytic subunit; minus strand). Cytogenetic location: 12q24.33.
Variant type: single nucleotide variant.
Coding change: c.2049C>G on transcript NM_006231.4 (MANE Select); coding-DNA position 2049, C replaced by G.
Protein change: p.Tyr683Ter; replaces tyrosine 683 with a stop codon.
Molecular consequence: nonsense.
Genome position (GRCh38, 1-based): chr12:132,668,480, G>C on the plus strand (C>G on the coding strand, the complement: POLE is on the minus strand). VCF-style: chr12-132668480-G-C. GRCh37 (hg19) VCF-style: chr12-133245066-G-C.
Other names: c.2049C>G (NM_006231.2); short protein forms Y683*.
Identifiers: ClinVar variation 581857 (VCV000581857.13), dbSNP rs1196356920, ClinGen allele CA387354358.